The following is an entry in ClinVar:

NM_000548.5(TSC2):c.452G>A (p.Arg151Lys)

Gene: TSC2 (TSC complex subunit 2; plus strand). Cytogenetic location: 16p13.3.
Variant type: single nucleotide variant.
Coding change: c.452G>A on transcript NM_000548.5 (MANE Select); coding-DNA position 452, G replaced by A.
Protein change: p.Arg151Lys; replaces arginine 151 with lysine.
Molecular consequence: missense variant. On other transcripts: 5 prime UTR variant (13), non-coding transcript variant (5), intron variant (6).
Genome position (GRCh38, 1-based): chr16:2,054,411, G>A. VCF-style: chr16-2054411-G-A. GRCh37 (hg19) VCF-style: chr16-2104412-G-A.
Other names: c.452G>A, p.Arg151Lys (NM_001077183.3, NM_001114382.3, NM_001363528.2 and 8 more transcripts); c.341G>A, p.Arg114Lys (NM_001318827.2, NM_001406670.1, NM_001406678.1); c.305G>A, p.Arg102Lys (NM_001318829.2, NM_001406675.1, NM_001406676.1 and 1 more transcripts); c.485G>A, p.Arg162Lys (NM_001318832.2); c.542G>A, p.Arg181Lys (NM_001406667.1, NM_001406668.1); c.395G>A, p.Arg132Lys (NM_001406677.1); c.-365G>A (NM_001406680.1, NM_001406683.1, NM_001406687.1); c.7G>A, p.Asp3Asn (NM_001406681.1); and 6 more; short protein forms R162K, D3N, R132K, R151K, R181K, R102K, R114K.
Identifiers: ClinVar variation 4192181 (VCV004192181.1).

ClinVar aggregate classification (germline): Uncertain significance (1 of 4 stars; one submission).

Conditions:
Hereditary cancer-predisposing syndrome. Also called: Neoplastic Syndromes, Hereditary; Tumor predisposition; Hereditary Cancer Syndrome; Hereditary neoplastic syndrome. Identifiers: Orphanet 140162, MedGen C0027672, MeSH D009386, MONDO:0015356.

Submission:

Ambry Genetics
Classification: Uncertain significance for Hereditary cancer-predisposing syndrome. Last evaluated: 2025-08-20. Review status: criteria provided, single submitter. Criteria: Ambry Variant Classification Scheme 2023. Collection method: clinical testing. Allele origin: germline.
Comment: The p.R151K variant (also known as c.452G>A), located in coding exon 4 of the TSC2 gene, results from a G to A substitution at nucleotide position 452. The arginine at codon 151 is replaced by lysine, an amino acid with highly similar properties. This amino acid position is conserved. In addition, this alteration is predicted to be tolerated by in silico analysis. Based on the available evidence, the clinical significance of this variant remains unclear.